The following is an entry in ClinVar:

ClinVar aggregate classification (germline): Uncertain significance. Review status: criteria provided, multiple submitters, no conflicts (2 of 4 stars). 2 submissions from 2 submitters: Uncertain significance (2). Last evaluated 2023-05-24.

Allele frequency attached by ClinVar (database versions not stated): gnomAD exomes below 0.00001.
gnomAD v4.1: 4 of 1,612,390 alleles (0.00025%); highest among the groups gnomAD compares: Non-Finnish European, 0.00025%; no homozygotes.

Submissions (2):

Revvity Omics, Revvity
Classification: Uncertain significance. Last evaluated: 2023-05-24. Review status: criteria provided, single submitter. Criteria: ACMG Guidelines, 2015. Collection method: clinical testing. Allele origin: germline.

GeneDx
Classification: Uncertain significance. Last evaluated: 2013-12-19. Review status: criteria provided, single submitter. Criteria: GeneDx Variant Classification (06012015). Collection method: clinical testing. Allele origin: germline. Affected: yes.
Comment: Missense variants in the TTN gene are considered 'unclassified' if they are not previously reported in the literature and do not have >1% frequency in the population to be considered a polymorphism. Research indicates that truncating mutations in the TTN gene are expected to account for approximately 25% of familial and 18% of sporadic idiopathic DCM; however, truncating variants in the TTN gene have been reported in approximately 3% of reported control alleles. There has been little investigation into non-truncating variants. (Herman D et al. Truncations of titin causing dilated cardiomyopathy. N Eng J Med 366:619-628, 2012) The variant is found in CARDIOMYOPATHY panel(s).

NM_001267550.2(TTN):c.31238T>C (p.Val10413Ala)

Gene: TTN (titin; minus strand). Cytogenetic location: 2q31.2.
Variant type: single nucleotide variant.
Coding change: c.31238T>C on transcript NM_001267550.2 (MANE Select); coding-DNA position 31238, T replaced by C.
Protein change: p.Val10413Ala; replaces valine 10413 with alanine.
Molecular consequence: missense variant. On other transcripts: intron variant (3).
Genome position (GRCh38, 1-based): chr2:178,695,380, A>G on the plus strand (T>C on the coding strand, the complement: TTN is on the minus strand). VCF-style: chr2-178695380-A-G. GRCh37 (hg19) VCF-style: chr2-179560107-A-G.
Other names: p.V10096A:GTA>GCA; c.30287T>C, p.Val10096Ala (NM_001256850.1); c.27506T>C, p.Val9169Ala (NM_133378.4); c.13282+42702T>C (NM_003319.4); c.13858+42702T>C (NM_133437.4); c.13657+42702T>C (NM_133432.3); short protein forms V10096A, V10413A, V9169A.
Identifiers: ClinVar variation 202561 (VCV000202561.4), dbSNP rs794729405, ClinGen allele CA309593.
Genomic context (GRCh38, chr2:178,695,380, plus strand): 5'-GTCTATTTAAATATTTCTAATTACTTACCTTTAGGAGGTGGTGGTGCTTTCTTTTCAGGT[A>G]CTTTGGCTGGAACTTTTCTCTCATGTGATTCTGAAATAAAAACACAGGAATAAGAAGGGA-3'
Protein context (NP_001254479.2, residues 10403-10423): ESHERKVPAK[Val10413Ala]PEKKAPPPPK